The following is an entry in ClinVar:

NM_052947.4(ALPK2):c.4973G>T (p.Gly1658Val)

Gene: ALPK2 (alpha kinase 2; minus strand). Cytogenetic location: 18q21.31.
Variant type: single nucleotide variant.
Coding change: c.4973G>T on transcript NM_052947.4 (MANE Select); coding-DNA position 4973, G replaced by T.
Protein change: p.Gly1658Val; replaces glycine 1658 with valine.
Molecular consequence: missense variant.
Genome position (GRCh38, 1-based): chr18:58,535,214, C>A on the plus strand (G>T on the coding strand, the complement: ALPK2 is on the minus strand). VCF-style: chr18-58535214-C-A. GRCh37 (hg19) VCF-style: chr18-56202446-C-A.
Other names: short protein forms G1658V.
Identifiers: ClinVar variation 1744481 (VCV001744481.2), dbSNP rs886991413, ClinGen allele CA402559137.
Genomic context (GRCh38, chr18:58,535,214, plus strand): 5'-AGGGTGCCCTTTTGACATGGATCCTGCAGTAATTTAGGGGCTTTCTCTAACTCACGTTCT[C>A]CTGAAATAAATGCCAAGGTCTTCGCTGAGGAGCTAGATGAGCTTGGGGGTTTGGTTTCCC-3'
Protein context (NP_443179.3, residues 1648-1668): SSAKTLAFIS[Gly1658Val]ERELEKAPKL

ClinVar aggregate classification (germline): Uncertain significance (1 of 4 stars; one submission).

Submission:

Ambry Genetics
Classification: Uncertain significance. Last evaluated: 2022-04-21. Review status: criteria provided, single submitter. Criteria: Ambry Variant Classification Scheme 2023. Collection method: clinical testing. Allele origin: germline.
Comment: The p.G1658V variant (also known as c.4973G>T), located in coding exon 4 of the ALPK2 gene, results from a G to T substitution at nucleotide position 4973. The glycine at codon 1658 is replaced by valine, an amino acid with dissimilar properties. This amino acid position is conserved. In addition, this alteration is predicted to be tolerated by in silico analysis. Since supporting evidence is limited at this time, the clinical significance of this alteration remains unclear.